The following is an entry in ClinVar:

ClinVar aggregate classification (germline): Uncertain significance (1 of 4 stars; one submission).

Conditions:
Norman-Roberts syndrome (LIS2). Also called: Lissencephaly 2 (Norman-Roberts type). Identifiers: Orphanet 89844, MedGen C0796089, MONDO:0009760, OMIM 257320.
Familial temporal lobe epilepsy 7. Identifiers: Orphanet 101046, MedGen C4225327, MONDO:0014639, OMIM 616436.

Allele frequency attached by ClinVar (database versions not stated): ExAC 0.00001; gnomAD exomes 0.00001.
gnomAD v4.1: 3 of 1,614,158 alleles (0.00019%); highest among the groups gnomAD compares: Middle Eastern, 0.017%; no homozygotes.

Submission:

Labcorp Genetics (formerly Invitae), Labcorp
Classification: Uncertain significance for Familial temporal lobe epilepsy 7; Norman-Roberts syndrome. Last evaluated: 2024-10-23. Review status: criteria provided, single submitter. Criteria: Invitae Variant Classification Sherloc (09022015). Collection method: clinical testing. Allele origin: germline.
Comment: This sequence change replaces leucine, which is neutral and non-polar, with phenylalanine, which is neutral and non-polar, at codon 3007 of the RELN protein (p.Leu3007Phe). This variant is present in population databases (rs752135641, gnomAD 0.006%). This variant has not been reported in the literature in individuals affected with RELN-related conditions. ClinVar contains an entry for this variant (Variation ID: 1487295). Invitae Evidence Modeling of protein sequence and biophysical properties (such as structural, functional, and spatial information, amino acid conservation, physicochemical variation, residue mobility, and thermodynamic stability) indicates that this missense variant is not expected to disrupt RELN protein function with a negative predictive value of 80%. In summary, the available evidence is currently insufficient to determine the role of this variant in disease. Therefore, it has been classified as a Variant of Uncertain Significance.

NM_005045.4(RELN):c.9019C>T (p.Leu3007Phe)

Genes: RELN (reelin; minus strand), SLC26A5-AS1 (SLC26A5 antisense RNA 1; plus strand). Cytogenetic location: 7q22.1.
Variant type: single nucleotide variant.
Coding change: c.9019C>T on transcript NM_005045.4 (MANE Select); coding-DNA position 9019, C replaced by T.
Protein change: p.Leu3007Phe; replaces leucine 3007 with phenylalanine.
Molecular consequence: missense variant.
Genome position (GRCh38, 1-based): chr7:103,496,700, G>A on the plus strand (C>T on the coding strand, the complement: RELN is on the minus strand). VCF-style: chr7-103496700-G-A. GRCh37 (hg19) VCF-style: chr7-103137147-G-A.
Other names: c.9019C>T, p.Leu3007Phe (NM_173054.3); short protein forms L3007F.
Identifiers: ClinVar variation 1487295 (VCV001487295.6), dbSNP rs752135641, ClinGen allele CA4420299.